The following is an entry in ClinVar:

NM_001348716.2(KDM6B):c.522G>A (p.Glu174=)

Gene: KDM6B (lysine demethylase 6B; plus strand). Cytogenetic location: 17p13.1.
Variant type: single nucleotide variant.
Coding change: c.522G>A on transcript NM_001348716.2 (MANE Select); coding-DNA position 522, G replaced by A.
Protein change: p.Glu174=; no amino-acid change (glutamic acid 174 retained).
Molecular consequence: synonymous variant.
Genome position (GRCh38, 1-based): chr17:7,846,465, G>A. VCF-style: chr17-7846465-G-A. GRCh37 (hg19) VCF-style: chr17-7749783-G-A.
Other names: c.522G>A, p.Glu174= (NM_001080424.2).
Identifiers: ClinVar variation 748841 (VCV000748841.4), dbSNP rs143830362, ClinGen allele CA8360233.

ClinVar aggregate classification (germline): Likely benign. Review status: criteria provided, multiple submitters, no conflicts (2 of 4 stars). 2 submissions from 2 submitters: Likely benign (2). Last evaluated 2024-12-31.

Conditions:
KDM6B-related disorder. Also called: KDM6B-related condition.

Allele frequency attached by ClinVar (database versions not stated): gnomAD exomes 0.00007 and 0.00014; ExAC 0.00014; 1000 Genomes Project 30x 0.00031; 1000 Genomes Project 0.00040; gnomAD 0.00064 and 0.00069; ESP Exome Variant Server 0.00069; TOPMed 0.00077.
gnomAD v4.1: 191 of 1,611,214 alleles (0.012%); highest among the groups gnomAD compares: African/African-American, 0.23%; 1 homozygote.

Submissions (2):

PreventionGenetics, part of Exact Sciences
Classification: Likely benign for KDM6B-related condition. Last evaluated: 2024-12-31. Review status: criteria provided, single submitter. Criteria: ACMG Guidelines, 2015. Collection method: clinical testing. Allele origin: germline.
Comment: This variant is classified as likely benign based on ACMG/AMP sequence variant interpretation guidelines (Richards et al. 2015 PMID: 25741868, with internal and published modifications).

Labcorp Genetics (formerly Invitae), Labcorp
Classification: Likely benign. Last evaluated: 2018-06-05. Review status: criteria provided, single submitter. Criteria: Invitae Variant Classification Sherloc (09022015). Collection method: clinical testing. Allele origin: germline.